The following is an entry in ClinVar:

ClinVar aggregate classification (germline): Uncertain significance. Review status: criteria provided, multiple submitters, no conflicts (2 of 4 stars). 2 submissions from 2 submitters: Uncertain significance (2). Last evaluated 2024-11-25.

Submissions (2):

GeneDx
Classification: Uncertain significance. Last evaluated: 2024-11-25. Review status: criteria provided, single submitter. Criteria: GeneDx Variant Classification Process June 2021. Collection method: clinical testing. Allele origin: germline. Affected: yes.
Comment: Not observed at significant frequency in large population cohorts (gnomAD); In silico analysis indicates that this missense variant does not alter protein structure/function; Has not been previously published as pathogenic or benign to our knowledge

Ambry Genetics
Classification: Uncertain significance. Last evaluated: 2021-08-02. Review status: criteria provided, single submitter. Criteria: Ambry Variant Classification Scheme 2023. Collection method: clinical testing. Allele origin: germline.

NM_001606.5(ABCA2):c.1981G>A (p.Val661Ile)

Gene: ABCA2 (ATP binding cassette subfamily A member 2; minus strand). Cytogenetic location: 9q34.3.
Variant type: single nucleotide variant.
Coding change: c.1981G>A on transcript NM_001606.5 (MANE Select); coding-DNA position 1981, G replaced by A.
Protein change: p.Val661Ile; replaces valine 661 with isoleucine.
Molecular consequence: missense variant.
Genome position (GRCh38, 1-based): chr9:137,018,190, C>T on the plus strand (G>A on the coding strand, the complement: ABCA2 is on the minus strand). VCF-style: chr9-137018190-C-T. GRCh37 (hg19) VCF-style: chr9-139912642-C-T.
Other names: c.1978G>A, p.Val660Ile (NM_001411042.1); c.2071G>A, p.Val691Ile (NM_212533.3); short protein forms V691I, V660I, V661I.
Identifiers: ClinVar variation 2240349 (VCV002240349.3), dbSNP rs1258302996, ClinGen allele CA375674462.